The following is an entry in ClinVar:

NM_000038.6(APC):c.3324T>G (p.Asn1108Lys)

Gene: APC (APC regulator of Wnt signaling pathway; plus strand). Cytogenetic location: 5q22.2.
Variant type: single nucleotide variant.
Coding change: c.3324T>G on transcript NM_000038.6 (MANE Select); coding-DNA position 3324, T replaced by G.
Protein change: p.Asn1108Lys; replaces asparagine 1108 with lysine.
Molecular consequence: missense variant.
Genome position (GRCh38, 1-based): chr5:112,838,918, T>G. VCF-style: chr5-112838918-T-G. GRCh37 (hg19) VCF-style: chr5-112174615-T-G.
Other names: c.3324T>G (NM_000038.5); c.3324T>G, p.Asn1108Lys (NM_001127510.3, NM_001354895.2); c.3270T>G, p.Asn1090Lys (NM_001127511.3); c.3378T>G, p.Asn1126Lys (NM_001354896.2); c.3354T>G, p.Asn1118Lys (NM_001354897.2); c.3249T>G, p.Asn1083Lys (NM_001354898.2); c.3240T>G, p.Asn1080Lys (NM_001354899.2); c.3201T>G, p.Asn1067Lys (NM_001354900.2); and 6 more; short protein forms N1007K, N1017K, N1049K, N1067K, N1080K, N1083K, N1090K, N1108K.
Identifiers: ClinVar variation 1021385 (VCV001021385.12), dbSNP rs1765394805, ClinGen allele CA16028624.

ClinVar aggregate classification (germline): Uncertain significance. Review status: criteria provided, multiple submitters, no conflicts (2 of 4 stars). 2 submissions from 2 submitters: Uncertain significance (2). Last evaluated 2023-03-24.

Conditions:
Familial adenomatous polyposis 1 (FAP1). Also called: POLYPOSIS, ADENOMATOUS INTESTINAL; FAMILIAL ADENOMATOUS POLYPOSIS 1, ATTENUATED. Identifiers: MedGen C2713442, MONDO:0021056, OMIM 175100. Disease mechanism: loss of function.
Hereditary cancer-predisposing syndrome. Also called: Hereditary Cancer Syndrome; Neoplastic Syndromes, Hereditary; Tumor predisposition; Hereditary neoplastic syndrome. Identifiers: Orphanet 140162, MedGen C0027672, MeSH D009386, MONDO:0015356.

Submissions (2):

Ambry Genetics
Classification: Uncertain significance for Hereditary cancer-predisposing syndrome. Last evaluated: 2023-03-24. Review status: criteria provided, single submitter. Criteria: Ambry Variant Classification Scheme 2023. Collection method: clinical testing. Allele origin: germline.

Labcorp Genetics (formerly Invitae), Labcorp
Classification: Uncertain significance for Familial adenomatous polyposis 1. Last evaluated: 2020-04-20. Review status: criteria provided, single submitter. Criteria: Invitae Variant Classification Sherloc (09022015). Collection method: clinical testing. Allele origin: germline.
Comment: In summary, the available evidence is currently insufficient to determine the role of this variant in disease. Therefore, it has been classified as a Variant of Uncertain Significance. Algorithms developed to predict the effect of missense changes on protein structure and function are either unavailable or do not agree on the potential impact of this missense change (SIFT: "Deleterious"; PolyPhen-2: "Benign"; Align-GVGD: "Class C0"). This variant has not been reported in the literature in individuals with APC-related conditions. This variant is not present in population databases (ExAC no frequency). This sequence change replaces asparagine with lysine at codon 1108 of the APC protein (p.Asn1108Lys). The asparagine residue is moderately conserved and there is a moderate physicochemical difference between asparagine and lysine.